The following is an entry in ClinVar:

NM_006734.4(HIVEP2):c.3427T>C (p.Cys1143Arg)

Gene: HIVEP2 (HIVEP zinc finger 2; minus strand). Cytogenetic location: 6q24.2.
Variant type: single nucleotide variant.
Coding change: c.3427T>C on transcript NM_006734.4 (MANE Select); coding-DNA position 3427, T replaced by C.
Protein change: p.Cys1143Arg; replaces cysteine 1143 with arginine.
Molecular consequence: missense variant.
Genome position (GRCh38, 1-based): chr6:142,771,312, A>G on the plus strand (T>C on the coding strand, the complement: HIVEP2 is on the minus strand). VCF-style: chr6-142771312-A-G. GRCh37 (hg19) VCF-style: chr6-143092449-A-G.
Other names: c.3427T>C, p.Cys1143Arg (NM_001438449.1, NM_001438450.1, NM_001438451.1); short protein forms C1143R.
Identifiers: ClinVar variation 4738476 (VCV004738476.1).

ClinVar aggregate classification (germline): Uncertain significance (1 of 4 stars; one submission).

gnomAD v4.1: 1 of 1,613,380 alleles (0.000062%); highest among the groups gnomAD compares: Non-Finnish European, 0.000085%; no homozygotes.

Submission:

Labcorp Genetics (formerly Invitae), Labcorp
Classification: Uncertain significance. Last evaluated: 2025-11-01. Review status: criteria provided, single submitter. Criteria: Invitae Variant Classification Sherloc (09022015). Collection method: clinical testing. Allele origin: germline.
Comment: This sequence change replaces cysteine, which is neutral and slightly polar, with arginine, which is basic and polar, at codon 1143 of the HIVEP2 protein (p.Cys1143Arg). This variant is not present in population databases (gnomAD no frequency). This variant has not been reported in the literature in individuals affected with HIVEP2-related conditions. Invitae Evidence Modeling of protein sequence and biophysical properties (such as structural, functional, and spatial information, amino acid conservation, physicochemical variation, residue mobility, and thermodynamic stability) indicates that this missense variant is not expected to disrupt HIVEP2 protein function with a negative predictive value of 80%. In summary, the available evidence is currently insufficient to determine the role of this variant in disease. Therefore, it has been classified as a Variant of Uncertain Significance.